The following is an entry in ClinVar:

ClinVar aggregate classification (germline): Pathogenic. Review status: reviewed by expert panel (3 of 4 stars). 9 submissions from 9 submitters: Pathogenic (1). 8 of the submissions do not count toward it. Last evaluated 2023-12-02.

Conditions:
HNF1A-related disorder. Also called: HNF1A-related condition.
Monogenic diabetes. Identifiers: Orphanet 183625, MedGen C3888631, MONDO:0015967.
Maturity-onset diabetes of the young (MODY). Also called: Maturity onset diabetes mellitus in young. Identifiers: Orphanet 552, MedGen C0342276, MONDO:0018911, HP:0004904.
Maturity-onset diabetes of the young type 3. Also called: MODY type 3; MODY, type III. Identifiers: Orphanet 552, MedGen C1838100, MeSH C563933, MONDO:0010894, OMIM 600496. Disease mechanism: loss of function.
HNF1A-related disorders.

Allele frequency attached by ClinVar (database versions not stated): gnomAD exomes below 0.00001; TOPMed below 0.00001.
gnomAD v4.1: 2 of 1,614,064 alleles (0.00012%); highest among the groups gnomAD compares: African/African-American, 0.0013%; no homozygotes.

Submissions (9):

ClinGen Monogenic Diabetes Variant Curation Expert Panel
Classification: Pathogenic for Monogenic diabetes. Last evaluated: 2023-12-02. Review status: reviewed by expert panel. Criteria: ClinGen Diabetes ACMG Specifications HNF1A V2.1.0. Collection method: curation. Allele origin: germline. Inheritance: Autosomal dominant inheritance.
Comment: The c.526+1G>A variant in the HNF1 homeobox A gene, HNF1A, is predicted to remove a canonical splice donor site in intron 2 of NM_000545.8. This variant is predicted to cause loss of part of exon 2, leading to nonsense-mediated decay in a gene in which loss-of-function is an established disease mechanism (PVS1, PMID: 23348805). This variant is absent from gnomAD v2.1.1. This variant was identified in 12 unrelated individuals with non-autoimmune and non-absolute/near-absolute insulin-deficient diabetes (PS4; PMIDs: 21242637, internal lab contributors), including an individual with a clinical history highly specific for HNF1A-MODY (MODY probability calculator result >50%, negative genetic testing for HNF4A, and negative autoantibodies) (PP4_Moderate, internal lab contributor). This variant segregated with diabetes, with six informative meioses in five families with MODY (PP1_Strong, internal lab collaborators). In summary, c.526+1G>A meets the criteria to be classified as pathogenic for monogenic diabetes. ACMG/AMP criteria applied, as specified by the ClinGen MDEP (specification version 2.1.1, approved 8/11/2023): PVS1, PP1_Strong, PS4, PP4_Moderate, PM2_Supporting.

GeneDx
Classification: Pathogenic. Last evaluated: 2026-09-10. Review status: criteria provided, single submitter. Criteria: GeneDx Variant Classification Process June 2021. Collection method: clinical testing. Allele origin: germline. Not counted in ClinVar's aggregate classification.
Comment: Identified in individuals with early onset diabetes in published literature (PMID: 11272211, 20393147); Canonical splice site variant predicted to result in a null allele in a gene for which loss of function is a known mechanism of disease; Not observed at significant frequency in large population cohorts (gnomAD); This variant is associated with the following publications: (PMID: 21242637, 25525159, 31754975, 20393147, 32238361, 16496320, 36257325, Yarali2025[Article], 11272211)

Labcorp Genetics (formerly Invitae), Labcorp
Classification: Pathogenic. Last evaluated: 2025-10-06. Review status: criteria provided, single submitter. Criteria: Invitae Variant Classification Sherloc (09022015). Collection method: clinical testing. Allele origin: germline. Not counted in ClinVar's aggregate classification.
Comment: This sequence change affects a donor splice site in intron 2 of the HNF1A gene. It is expected to disrupt RNA splicing. Variants that disrupt the donor or acceptor splice site typically lead to a loss of protein function (PMID: 16199547), and loss-of-function variants in HNF1A are known to be pathogenic (PMID: 15928245, 18003757). This variant is not present in population databases (gnomAD no frequency). Disruption of this splice site has been observed in individuals with maturity-onset diabetes of the young (PMID: 11272211, 21242637, 31754975). This variant is also known as IVS2+1G>A. ClinVar contains an entry for this variant (Variation ID: 846588). Algorithms developed to predict the effect of sequence changes on RNA splicing suggest that this variant may disrupt the consensus splice site. For these reasons, this variant has been classified as Pathogenic.

Institute of Human Genetics, University of Leipzig Medical Center
Classification: Pathogenic for Maturity-onset diabetes of the young type 3. Last evaluated: 2025-07-10. Review status: criteria provided, single submitter. Criteria: ACMG Guidelines, 2015. Collection method: clinical testing. Allele origin: unknown. Inheritance: Autosomal dominant inheritance. Affected: yes. Not counted in ClinVar's aggregate classification.
Comment: Criteria applied: PVS1,PS4,PP1_STR,PP4_MOD,PM2_SUP

PreventionGenetics, part of Exact Sciences
Classification: Pathogenic for HNF1A-related condition. Last evaluated: 2025-07-01. Review status: criteria provided, single submitter. Criteria: ACMG Guidelines, 2015. Collection method: clinical testing. Allele origin: germline. Not counted in ClinVar's aggregate classification.
Comment: The HNF1A c.526+1G>A variant is predicted to disrupt the GT donor site and interfere with normal splicing. This variant has been reported in individual with MODY, type III and has been shown to segregate with disease (Frayling et al. 2001. PubMed ID: 11272211; Fu et al. 2020. PubMed ID: 31754975; Supplemental, Mirshahi et al. 2022. PubMed ID: 36257325; Habeb et al. 2011. PubMed ID: 21242637; Table S1, Ma et al. 2020. PubMed ID: 32238361). This variant has not been reported in a large population database (gnomAD), indicating this variant is rare. This variant is classified as pathogenic by ClinGen Monogenic Diabetes Variant Curation Expert Panel. Variants that disrupt the consensus splice donor site in HNF1A are expected to be pathogenic. This variant is interpreted as pathogenic.

Women's Health and Genetics/Laboratory Corporation of America, LabCorp
Classification: Pathogenic for Maturity-onset diabetes of the young. Last evaluated: 2023-12-14. Review status: criteria provided, single submitter. Criteria: LabCorp Variant Classification Summary - May 2015. Collection method: clinical testing. Allele origin: germline. Not counted in ClinVar's aggregate classification.
Comment: Variant summary: HNF1A c.526+1G>A is located in a canonical splice-site and is predicted to affect mRNA splicing resulting in a significantly altered protein due to either exon skipping, shortening, or inclusion of intronic material. Several computational tools predict a significant impact on normal splicing: Four predict the variant abolishes a canonical 5' splicing donor site. However, these predictions have yet to be confirmed by functional studies. The frequency data for this variant in gnomAD is considered unreliable, as metrics indicate poor data quality at this position. c.526+1G>A has been reported in the literature in multiple individuals affected with Maturity Onset Diabetes Of The Young 3 (e.g. Frayling_2001, Pearson_2007, Fu_2020) with evidence of cosegregation with disease. These data indicate that the variant is very likely to be associated with disease. The following publications have been ascertained in the context of this evaluation (PMID: 11272211, 17407387, 31754975). Four submitters, including a ClinGen expert panel, have cited clinical-significance assessments for this variant to ClinVar after 2014. All submitters classified the variant as pathogenic/likely pathogenic. Based on the evidence outlined above, the variant was classified as pathogenic.

Blueprint Genetics
Classification: Pathogenic for HNF1A-related disorders. Last evaluated: 2022-03-22. Review status: criteria provided, single submitter. Criteria: ACMG Guidelines, 2015. Collection method: clinical testing. Allele origin: germline. Affected: yes. Observed: 3 variant alleles. Not counted in ClinVar's aggregate classification.

Genetic Services Laboratory, University of Chicago
Classification: Pathogenic. Last evaluated: 2019-06-18. Review status: criteria provided, single submitter. Criteria: ACMG Guidelines, 2015. Collection method: clinical testing. Allele origin: germline. Affected: yes. Not counted in ClinVar's aggregate classification.
Comment: DNA sequence analysis of the HNF1A gene demonstrated a sequence change in the canonical splice donor site of intron 2, c.526+1G>A. This sequence change is absent from large population databases such as ExAC and gnomAD. This pathogenic sequence change has been previously described in three affected individuals from a family with maturity-onset diabetes of the young type 3 (MODY3) (PMID: 11272211). This pathogenic sequence change is predicted to affect normal splicing of the HNF1A gene, leading to an abnormal protein, which may be degraded, or may lead to production of a truncated HNF1A protein with potentially abnormal function. " DNA sequence analysis of the HNF1A gene demonstrated a sequence change in the canonical splice donor site of intron 2, c.526+1G>A. This sequence change is absent from large population databases such as ExAC and gnomAD. This pathogenic sequence change has been previously described in three affected individuals from a family with maturity-onset diabetes of the young type 3 (MODY3) (PMID: 11272211). This pathogenic sequence change is predicted to affect normal splicing of the HNF1A gene, leading to an abnormal protein, which may be degraded, or may lead to production of a truncated HNF1A protein with potentially abnormal function.

Clinical Genetics Service, Universitary Hospital 12 de Octubre
Classification: Pathogenic for Maturity-onset diabetes of the young type 3. Review status: criteria provided, single submitter. Criteria: ACMG Guidelines, 2015. Collection method: clinical testing. Allele origin: germline. Affected: yes. Not counted in ClinVar's aggregate classification.

Literature cited by the submitters: PubMed 16199547 (cited by Labcorp Genetics (formerly Invitae), Labcorp); PubMed 15928245 (cited by Labcorp Genetics (formerly Invitae), Labcorp); PubMed 18003757 (cited by Labcorp Genetics (formerly Invitae), Labcorp); PubMed 11272211 (cited by Labcorp Genetics (formerly Invitae), Labcorp and Women's Health and Genetics/Laboratory Corporation of America, LabCorp); PubMed 21242637 (cited by Labcorp Genetics (formerly Invitae), Labcorp); PubMed 31754975 (cited by Labcorp Genetics (formerly Invitae), Labcorp and Women's Health and Genetics/Laboratory Corporation of America, LabCorp); PubMed 17407387 (cited by Women's Health and Genetics/Laboratory Corporation of America, LabCorp).

NM_000545.8(HNF1A):c.526+1G>A

Gene: HNF1A (HNF1 homeobox A; plus strand). Cytogenetic location: 12q24.31.
Variant type: single nucleotide variant.
Coding change: c.526+1G>A on transcript NM_000545.8 (MANE Select); the canonical splice donor site of the intron after coding-DNA position 526, G replaced by A.
Molecular consequence: splice donor variant.
Genome position (GRCh38, 1-based): chr12:120,989,033, G>A. VCF-style: chr12-120989033-G-A. GRCh37 (hg19) VCF-style: chr12-121426836-G-A.
Other names: c.526+1G>A (NM_001306179.2, NM_001406915.1).
Identifiers: ClinVar variation 846588 (VCV000846588.23), dbSNP rs1364708195, ClinGen allele CA386960865.